The following is an entry in ClinVar:

NM_004656.4(BAP1):c.1729+10G>A

Gene: BAP1 (BRCA1 associated deubiquitinase 1; minus strand). Cytogenetic location: 3p21.1.
Variant type: single nucleotide variant.
Coding change: c.1729+10G>A on transcript NM_004656.4 (MANE Select); 10 bases into the intron after coding-DNA position 1729, G replaced by A.
Molecular consequence: intron variant.
Genome position (GRCh38, 1-based): chr3:52,403,406, C>T on the plus strand (G>A on the coding strand, the complement: BAP1 is on the minus strand). VCF-style: chr3-52403406-C-T. GRCh37 (hg19) VCF-style: chr3-52437422-C-T.
Identifiers: ClinVar variation 921963 (VCV000921963.10), dbSNP rs1172543516, ClinGen allele CA908132567.
Genomic context (GRCh38, chr3:52,403,406, plus strand): 5'-TGGTCACTTGGCCACTTCCCTCCTCCCTCCTGGGTGCACCAAGTGGCCAGTGAGCCAGTC[C>T]AAGGCCCACCTGTCAGCGCCAGGGGACTCAGCACCCCATCCTCAGCCAGGTGCAGCAGGC-3'

ClinVar aggregate classification (germline): Likely benign. Review status: criteria provided, multiple submitters, no conflicts (2 of 4 stars). 3 submissions from 3 submitters: Likely benign (3). Last evaluated 2026-01-14.

Conditions:
BAP1-related tumor predisposition syndrome (TPDS1). Also called: Tumor susceptibility linked to germline BAP1 mutations; COMMON Syndrome; TUMOR PREDISPOSITION SYNDROME 1; BAP1 tumor predisposition syndrome. Identifiers: Orphanet 289539, MedGen C3280492, MONDO:0013692, OMIM 614327.
Hereditary cancer-predisposing syndrome. Also called: Neoplastic Syndromes, Hereditary; Tumor predisposition; Hereditary Cancer Syndrome; Hereditary neoplastic syndrome. Identifiers: Orphanet 140162, MedGen C0027672, MeSH D009386, MONDO:0015356.

Allele frequency attached by ClinVar (database versions not stated): TOPMed 0.00001.

Submissions (3):

Labcorp Genetics (formerly Invitae), Labcorp
Classification: Likely benign for BAP1-related tumor predisposition syndrome. Last evaluated: 2026-01-14. Review status: criteria provided, single submitter. Criteria: Invitae Variant Classification Sherloc (09022015). Collection method: clinical testing. Allele origin: germline.

Myriad Genetics, Inc.
Classification: Likely benign for BAP1-related tumor predisposition syndrome. Last evaluated: 2024-07-17. Review status: criteria provided, single submitter. Criteria: Myriad Autosomal Dominant, Autosomal Recessive and X-Linked Classification Criteria (2023). Collection method: clinical testing. Allele origin: unknown.
Comment: This variant is considered likely benign. This variant is intronic and is not expected to impact mRNA splicing.

Color Diagnostics, LLC DBA Color Health
Classification: Likely benign for Hereditary cancer-predisposing syndrome. Last evaluated: 2019-09-27. Review status: criteria provided, single submitter. Criteria: ACMG Guidelines, 2015. Collection method: clinical testing. Allele origin: germline.